The following is an entry in ClinVar:

NM_000059.4(BRCA2):c.7126G>C (p.Ala2376Pro)

Gene: BRCA2 (BRCA2 DNA repair associated; plus strand). Cytogenetic location: 13q13.1.
Variant type: single nucleotide variant.
Coding change: c.7126G>C on transcript NM_000059.4 (MANE Select); coding-DNA position 7126, G replaced by C.
Protein change: p.Ala2376Pro; replaces alanine 2376 with proline.
Molecular consequence: missense variant.
Genome position (GRCh38, 1-based): chr13:32,354,979, G>C. VCF-style: chr13-32354979-G-C. GRCh37 (hg19) VCF-style: chr13-32929116-G-C.
Other names: p.A2376P:GCA>CCA; short protein forms A2376P.
Identifiers: ClinVar variation 182236 (VCV000182236.3), dbSNP rs730881552, ClinGen allele CA024890.

ClinVar aggregate classification (germline): Conflicting classifications of pathogenicity. Review status: criteria provided, conflicting classifications (1 of 4 stars). 2 submissions from 2 submitters: Uncertain significance (1); Likely benign (1). Last evaluated 2026-07-29.

Conditions:
Hereditary cancer-predisposing syndrome. Also called: Neoplastic Syndromes, Hereditary; Hereditary Cancer Syndrome; Tumor predisposition; Hereditary neoplastic syndrome. Identifiers: Orphanet 140162, MedGen C0027672, MeSH D009386, MONDO:0015356.

Submissions (2):

Ambry Genetics
Classification: Likely benign for Hereditary cancer-predisposing syndrome. Last evaluated: 2026-07-29. Review status: criteria provided, single submitter. Criteria: Ambry Variant Classification Scheme 2023. Collection method: clinical testing. Allele origin: germline.

GeneDx
Classification: Uncertain significance. Last evaluated: 2014-08-19. Review status: criteria provided, single submitter. Criteria: GeneDx Variant Classification (06012015). Collection method: clinical testing. Allele origin: germline. Affected: yes.
Comment: This variant is denoted BRCA2 c.7126G>C at the cDNA level, p.Ala2376Pro (A2376P) at the protein level, and results in the change of an Alanine to a Proline (GCA>CCA). This variant has not, to our knowledge, been published in the literature as pathogenic or benign. This variant was not observed in approximately 6,500 individuals of European and African American ancestry in the NHLBI Exome Sequencing Project, suggesting it is not a common benign variant in these populations. Since Alanine and Proline differ in some properties, this is considered a semi-conservative amino acid substitution. BRCA2 Ala2376Pro occurs at a position that is poorly conserved across species, with Proline being the naturally occurring amino acid in several mammals. This variant is within the region of interaction with FANCD2 (UniProt). In silico analyses predict that this variant is unlikely to alter protein structure or function. Based on currently available information, it is unclear whether BRCA2 Ala2376Pro is pathogenic or benign. We consider it to be a variant of uncertain significance.